The following is an entry in ClinVar:

ClinVar aggregate classification (germline): Benign. Review status: criteria provided, multiple submitters, no conflicts (2 of 4 stars). 2 submissions from 2 submitters: Benign (2). Last evaluated 2018-01-13.

Conditions:
Essential fructosuria. Also called: HEPATIC FRUCTOKINASE DEFICIENCY; KETOHEXOKINASE DEFICIENCY. Identifiers: Orphanet 2056, MedGen C0268160, MONDO:0009252, OMIM 229800.

Allele frequency attached by ClinVar (database versions not stated): gnomAD 0.50895 and 0.52057; TOPMed 0.48901; 1000 Genomes Project 0.54633; 1000 Genomes Project 30x 0.53248; gnomAD exomes 0.55976.
gnomAD v4.1: 79,491 of 152,656 alleles (52%); highest among the groups gnomAD compares: East Asian, 78%; 22,537 homozygotes.

Submissions (2):

Illumina Laboratory Services, Illumina
Classification: Benign for Essential fructosuria. Last evaluated: 2018-01-13. Review status: criteria provided, single submitter. Criteria: ICSL Variant Classification Criteria 13 December 2019. Collection method: clinical testing. Allele origin: germline.
Comment: This variant was observed in the ICSL laboratory as part of a predisposition screen in an ostensibly healthy population. It had not been previously curated by ICSL or reported in the Human Gene Mutation Database (HGMD: prior to June 1st, 2018), and was therefore a candidate for classification through an automated scoring system. Utilizing variant allele frequency, disease prevalence and penetrance estimates, and inheritance mode, an automated score was calculated to assess if this variant is too frequent to cause the disease. Based on the score and internal cut-off values, a variant classified as benign is not then subjected to further curation. The score for this variant resulted in a classification of benign for this disease.

Breakthrough Genomics
Classification: Benign. Review status: criteria provided, single submitter. Criteria: ACMG Guidelines, 2015. Collection method: not provided. Allele origin: germline. Inheritance: Autosomal recessive inheritance. Affected: yes.

NM_006488.3(KHK):c.-469A>C

Gene: KHK (ketohexokinase; plus strand). Cytogenetic location: 2p23.3.
Variant type: single nucleotide variant.
Coding change: c.-469A>C on transcript NM_006488.3 (MANE Select); 469 bases upstream of the start codon, A replaced by C.
Molecular consequence: 5 prime UTR variant.
Genome position (GRCh38, 1-based): chr2:27,086,791, A>C. VCF-style: chr2-27086791-A-C. GRCh37 (hg19) VCF-style: chr2-27309659-A-C.
Other names: c.-469A>C (NM_000221.3).
Identifiers: ClinVar variation 335473 (VCV000335473.6), dbSNP rs6742004, ClinGen allele CA10614876.